The following is an entry in ClinVar:

NM_052947.4(ALPK2):c.2567A>G (p.Asn856Ser)

Gene: ALPK2 (alpha kinase 2; minus strand). Cytogenetic location: 18q21.31.
Variant type: single nucleotide variant.
Coding change: c.2567A>G on transcript NM_052947.4 (MANE Select); coding-DNA position 2567, A replaced by G.
Protein change: p.Asn856Ser; replaces asparagine 856 with serine.
Molecular consequence: missense variant.
Genome position (GRCh38, 1-based): chr18:58,537,620, T>C on the plus strand (A>G on the coding strand, the complement: ALPK2 is on the minus strand). VCF-style: chr18-58537620-T-C. GRCh37 (hg19) VCF-style: chr18-56204852-T-C.
Other names: short protein forms N856S.
Identifiers: ClinVar variation 2564086 (VCV002564086.2), dbSNP rs2518877513, ClinGen allele CA402570254.

ClinVar aggregate classification (germline): Uncertain significance (1 of 4 stars; one submission).

Submission:

Ambry Genetics
Classification: Uncertain significance. Last evaluated: 2023-05-21. Review status: criteria provided, single submitter. Criteria: Ambry Variant Classification Scheme 2023. Collection method: clinical testing. Allele origin: germline.
Comment: The p.N856S variant (also known as c.2567A>G), located in coding exon 4 of the ALPK2 gene, results from an A to G substitution at nucleotide position 2567. The asparagine at codon 856 is replaced by serine, an amino acid with highly similar properties. This amino acid position is conserved. In addition, this alteration is predicted to be tolerated by in silico analysis. Since supporting evidence is limited at this time, the clinical significance of this alteration remains unclear.